The following is an entry in ClinVar:

ClinVar aggregate classification (germline): Pathogenic (1 of 4 stars; one submission).

Conditions:
Neurofibromatosis, type 1 (NF1). Also called: Neurofibromatosis, type I; VON RECKLINGHAUSEN DISEASE; NEUROFIBROMATOSIS, TYPE I, SOMATIC; Peripheral type neurofibromatosis. Identifiers: Orphanet 636, MedGen C0027831, MONDO:0018975, OMIM 162200. Disease mechanism: loss of function.

Submission:

Labcorp Genetics (formerly Invitae), Labcorp
Classification: Pathogenic for Neurofibromatosis, type 1. Last evaluated: 2024-02-24. Review status: criteria provided, single submitter. Criteria: Invitae Variant Classification Sherloc (09022015). Collection method: clinical testing. Allele origin: germline.
Comment: This sequence change creates a premature translational stop signal (p.Leu252*) in the NF1 gene. It is expected to result in an absent or disrupted protein product. Loss-of-function variants in NF1 are known to be pathogenic (PMID: 10712197, 23913538). This variant is not present in population databases (gnomAD no frequency). This premature translational stop signal has been observed in individual(s) with neurofibromatosis, type 1 (PMID: 26740943). ClinVar contains an entry for this variant (Variation ID: 1454346). For these reasons, this variant has been classified as Pathogenic.

Literature cited by the submitters: PubMed 10712197; PubMed 23913538; PubMed 26740943.

NM_001042492.3(NF1):c.755T>A (p.Leu252Ter)

Gene: NF1 (neurofibromin 1; plus strand). Cytogenetic location: 17q11.2.
Variant type: single nucleotide variant.
Coding change: c.755T>A on transcript NM_001042492.3 (MANE Select); coding-DNA position 755, T replaced by A.
Protein change: p.Leu252Ter; replaces leucine 252 with a stop codon.
Molecular consequence: nonsense.
Genome position (GRCh38, 1-based): chr17:31,182,532, T>A. VCF-style: chr17-31182532-T-A. GRCh37 (hg19) VCF-style: chr17-29509550-T-A.
Other names: c.755T>A, p.Leu252Ter (NM_000267.4, NM_001128147.3); short protein forms L252*.
Identifiers: ClinVar variation 1454346 (VCV001454346.6), dbSNP rs2143785161, ClinGen allele CA398990635.